The following is an entry in ClinVar:

ClinVar aggregate classification (germline): Pathogenic/Likely pathogenic. Review status: criteria provided, multiple submitters, no conflicts (2 of 4 stars). 2 submissions from 2 submitters: Pathogenic (1); Likely pathogenic (1). Last evaluated 2026-04-29.

Conditions:
Polycystic kidney disease, adult type (PKD1). Also called: Polycystic Kidney Disease 1, Autosomal Dominant; Polycystic kidney disease 1; Polycystic kidney disease 1, severe; POLYCYSTIC KIDNEY DISEASE, ADULT, TYPE I; Polycystic Kidney, Autosomal Dominant; POLYCYSTIC KIDNEY DISEASE 1 WITH OR WITHOUT POLYCYSTIC LIVER DISEASE. Identifiers: MedGen C3149841, MONDO:0008263, OMIM 173900.

Submissions (2):

Victorian Clinical Genetics Services, Murdoch Childrens Research Institute
Classification: Pathogenic for Polycystic kidney disease, adult type. Last evaluated: 2026-04-29. Review status: criteria provided, single submitter. Criteria: ACMG Guidelines, 2015. Collection method: clinical testing. Allele origin: germline. Affected: yes.
Comment: This variant is classified as Pathogenic. Evidence in support of pathogenic classification: Variant is predicted to cause nonsense-mediated decay (NMD) and loss of protein (premature termination codon is located at least 54 nucleotides upstream of the final exon-exon junction); Variant is absent from gnomAD (v2, v3 and v4); Other NMD-predicted variant(s) comparable to the one identified in this case have very strong previous evidence for pathogenicity (DECIPHER). Additional information: This variant is heterozygous; This gene is associated with autosomal dominant disease. Polycystic kidney disease 1 (MIM#173900) is predominantly caused by monoallelic variants, with rare reports of biallelic variants causing disease (OMIM); Loss of function is a known mechanism of disease in this gene and is associated with polycystic kidney disease 1 (MIM#173900); Inheritance information for this variant is not currently available in this individual.

Department of Human Genetics, Hannover Medical School
Classification: Likely pathogenic for Polycystic kidney disease, adult type. Last evaluated: 2022-04-11. Review status: criteria provided, single submitter. Criteria: ACMG Guidelines, 2015. Collection method: clinical testing. Allele origin: germline. Inheritance: Autosomal dominant inheritance. Affected: yes.

NM_001009944.3(PKD1):c.5051C>A (p.Ser1684Ter)

Gene: PKD1 (polycystin 1, transient receptor potential channel interacting; minus strand). Cytogenetic location: 16p13.3.
Variant type: single nucleotide variant.
Coding change: c.5051C>A on transcript NM_001009944.3 (MANE Select); coding-DNA position 5051, C replaced by A.
Protein change: p.Ser1684Ter; replaces serine 1684 with a stop codon.
Molecular consequence: nonsense.
Genome position (GRCh38, 1-based): chr16:2,110,116, G>T on the plus strand (C>A on the coding strand, the complement: PKD1 is on the minus strand). VCF-style: chr16-2110116-G-T. GRCh37 (hg19) VCF-style: chr16-2160117-G-T.
Other names: c.5051C>A, p.Ser1684Ter (NM_000296.4); short protein forms S1684*.
Identifiers: ClinVar variation 4820151 (VCV004820151.2).
Genomic context (GRCh38, chr16:2,110,116, plus strand): 5'-CCCAGCATGTTGGTGGCCCGCAGCTGCACATGGTAGGTGCCGGCCTCGAGCACGGTGAGC[G>T]AGAAGCCTTTGCCGCTGCCGGCCAGGGCCGGGCCCCTGTCCCTCCAGGCAGTCCAGCTGT-3'